The following is an entry in ClinVar:

ClinVar aggregate classification (germline): Benign (1 of 4 stars; one submission).

Conditions:
Familial cancer of breast. Also called: hereditary breast carcinoma; Hereditary breast cancer; BREAST CANCER, FAMILIAL. Identifiers: Orphanet 227535, MedGen C0346153, MONDO:0016419, OMIM 114480. Disease mechanism: loss of function.

gnomAD v4.1: 1 of 1,614,180 alleles (0.000062%); no homozygotes.

Submission:

Myriad Genetics, Inc.
Classification: Benign for Familial cancer of breast. Last evaluated: 2024-09-10. Review status: criteria provided, single submitter. Criteria: Myriad Autosomal Dominant, Autosomal Recessive and X-Linked Classification Criteria (2023). Collection method: clinical testing. Allele origin: unknown.
Comment: This variant is considered benign. This variant is a silent/synonymous amino acid change and it is not expected to impact splicing.

NM_032043.3(BRIP1):c.3228A>G (p.Ser1076=)

Gene: BRIP1 (BRCA1 interacting DNA helicase 1; minus strand). Cytogenetic location: 17q23.2.
Variant type: single nucleotide variant.
Coding change: c.3228A>G on transcript NM_032043.3 (MANE Select); coding-DNA position 3228, A replaced by G.
Protein change: p.Ser1076=; no amino-acid change (serine 1076 retained).
Molecular consequence: synonymous variant.
Genome position (GRCh38, 1-based): chr17:61,683,818, T>C on the plus strand (A>G on the coding strand, the complement: BRIP1 is on the minus strand). VCF-style: chr17-61683818-T-C. GRCh37 (hg19) VCF-style: chr17-59761179-T-C.
Identifiers: ClinVar variation 3378779 (VCV003378779.1).
Genomic context (GRCh38, chr17:61,683,818, plus strand): 5'-TTCAGAACAGAGCGGATGTTCAGAATGATTTTTTCTAGTAAGGGTGGCATCAATCTTTAA[T>C]GATGAAATAATGGTTTCTGATTGAGGGCATGATCCAAACGATGTGTTTACTGTCAGATTT-3'
Protein context (NP_114432.2, residues 1066-1086): SCPQSETIIS[Ser1076=]LKIDATLTRK